The following is an entry in ClinVar:

NM_001330624.2(CUL4B):c.2T>G (p.Met1Arg)

Genes: CUL4B (cullin 4B; minus strand), LOC113845788 (Sharpr-MPRA regulatory region 11856; plus strand). Cytogenetic location: Xq24.
Variant type: single nucleotide variant.
Coding change: c.2T>G on transcript NM_001330624.2; coding-DNA position 2, T replaced by G.
Protein change: p.Met1Arg; changes the start codon (methionine 1).
Molecular consequence: missense variant, initiator codon variant. On other transcripts: intron variant (1).
Genome position (GRCh38, 1-based): chrX:120,561,398, A>C on the plus strand (T>G on the coding strand, the complement: CUL4B is on the minus strand). VCF-style: chrX-120561398-A-C. GRCh37 (hg19) VCF-style: chrX-119695253-A-C.
Other names: c.68-773T>G (NM_003588.4); short protein forms M1R.
Identifiers: ClinVar variation 4982552 (VCV004982552.1).
Genomic context (GRCh38, chrX:120,561,398, plus strand): 5'-TCCCGCGGGAAGCTTCGCGCCGCAGCGCCCTTACCGGAAGTGACTGGGCAGACACTTTTC[A>C]TAGCGCCCAGATCCCGAAGCCCCCAGGTCCGCAGGACTTGAGTGGGGGGGGGAAGGGGGG-3'

ClinVar aggregate classification (germline): Uncertain significance (1 of 4 stars; one submission).

Conditions:
CUL4B-related disorder. Also called: CUL4B-related condition.

Submission:

PreventionGenetics, part of Exact Sciences
Classification: Uncertain significance for CUL4B-related condition. Last evaluated: 2026-04-20. Review status: criteria provided, single submitter. Criteria: ACMG Guidelines, 2015. Collection method: clinical testing. Allele origin: germline.
Comment: The CUL4B c.2T>G variant is predicted to disrupt the translation initiation site (Start loss). To our knowledge, this variant has not been reported in the literature or in a large population database (gnomAD), indicating this variant is rare. At this time, the clinical significance of this variant is uncertain due to the absence of conclusive functional and genetic evidence.